The following is an entry in ClinVar:

ClinVar aggregate classification (germline): Pathogenic. Review status: criteria provided, multiple submitters, no conflicts (2 of 4 stars). 2 submissions from 2 submitters: Pathogenic (2). Last evaluated 2026-08-20.

Conditions:
Neurofibromatosis, type 1 (NF1). Also called: NEUROFIBROMATOSIS, TYPE I, SOMATIC; VON RECKLINGHAUSEN DISEASE; Peripheral type neurofibromatosis; Neurofibromatosis, type I. Identifiers: Orphanet 636, MedGen C0027831, MONDO:0018975, OMIM 162200. Disease mechanism: loss of function.
NF1-related disorder. Also called: NF1-related condition. Identifiers: MedGen CN379171.

Submissions (2):

PreventionGenetics, part of Exact Sciences
Classification: Pathogenic for NF1-related condition. Last evaluated: 2026-08-20. Review status: criteria provided, single submitter. Criteria: ACMG Guidelines, 2015. Collection method: clinical testing. Allele origin: germline.
Comment: The NF1 c.1348_1349dupGC variant is predicted to result in a frameshift and premature protein termination (p.Val451Glnfs*23). To our knowledge this variant has not been reported in the literature or a large population database (gnomAD), indicating it is rare. It is classified as pathogenic in ClinVar (Variation ID: 952696). Frameshift variants in NF1 are expected to be pathogenic. This variant is interpreted as pathogenic.

Labcorp Genetics (formerly Invitae), Labcorp
Classification: Pathogenic for Neurofibromatosis, type 1. Last evaluated: 2019-05-02. Review status: criteria provided, single submitter. Criteria: Invitae Variant Classification Sherloc (09022015). Collection method: clinical testing. Allele origin: germline.
Comment: For these reasons, this variant has been classified as Pathogenic. Loss-of-function variants in NF1 are known to be pathogenic (PMID: 10712197, 23913538). This variant has not been reported in the literature in individuals with NF1-related conditions. This variant is not present in population databases (ExAC no frequency). This sequence change creates a premature translational stop signal (p.Val451Glnfs*23) in the NF1 gene. It is expected to result in an absent or disrupted protein product.

Literature cited by the submitters: PubMed 10712197 (cited by Labcorp Genetics (formerly Invitae), Labcorp); PubMed 23913538 (cited by Labcorp Genetics (formerly Invitae), Labcorp).

NM_001042492.3(NF1):c.1348_1349dup (p.Val451fs)

Gene: NF1 (neurofibromin 1; plus strand). Cytogenetic location: 17q11.2.
Variant type: Duplication.
Coding change: c.1348_1349dup on transcript NM_001042492.3 (MANE Select); coding-DNA positions 1348 to 1349, 2 bases duplicated (GC; older notation c.1348_1349dupGC).
Protein change: p.Val451fs; shifts the reading frame from valine 451.
Molecular consequence: frameshift variant.
Genome position (GRCh38, 1-based): chr17:31,206,327-31,206,328, GC duplicated. VCF-style (leftmost placement, unchanged base first): chr17-31206326-A-AGC. GRCh37 (hg19) VCF-style: chr17-29533344-A-AGC.
Other names: c.1348_1349dup, p.Val451Glnfs (NM_000267.4); c.1348_1349dup, p.Val451fs (NM_001128147.3); c.1348_1349dupGC (NM_000267.3); short protein forms V451fs.
Identifiers: ClinVar variation 952696 (VCV000952696.7), dbSNP rs2066621213, ClinGen allele CA1139665324.